The following is an entry in ClinVar:

ClinVar aggregate classification (germline): Uncertain significance. Review status: criteria provided, multiple submitters, no conflicts (2 of 4 stars). 2 submissions from 2 submitters: Uncertain significance (2). Last evaluated 2025-10-13.

Conditions:
Brachyolmia-amelogenesis imperfecta syndrome. Also called: Tooth agenesis, selective, 6; Dental anomalies and short stature; PLATYSPONDYLY WITH AMELOGENESIS IMPERFECTA. Identifiers: Orphanet 2899, MedGen C1832594, MONDO:0011018, OMIM 601216. Disease mechanism: loss of function.
Inborn genetic diseases. Identifiers: MedGen C0950123, MeSH D030342.

Submissions (2):

Labcorp Genetics (formerly Invitae), Labcorp
Classification: Uncertain significance for Brachyolmia-amelogenesis imperfecta syndrome. Last evaluated: 2025-10-13. Review status: criteria provided, single submitter. Criteria: Invitae Variant Classification Sherloc (09022015). Collection method: clinical testing. Allele origin: germline.
Comment: This sequence change replaces aspartic acid, which is acidic and polar, with histidine, which is basic and polar, at codon 1160 of the LTBP3 protein (p.Asp1160His). This variant is not present in population databases (gnomAD no frequency). This variant has not been reported in the literature in individuals affected with LTBP3-related conditions. ClinVar contains an entry for this variant (Variation ID: 1731805). An algorithm developed to predict the effect of missense changes on protein structure and function (PolyPhen-2) suggests that this variant is likely to be disruptive. In summary, the available evidence is currently insufficient to determine the role of this variant in disease. Therefore, it has been classified as a Variant of Uncertain Significance.

Ambry Genetics
Classification: Uncertain significance for Inborn genetic diseases. Last evaluated: 2022-04-03. Review status: criteria provided, single submitter. Criteria: Ambry Variant Classification Scheme 2023. Collection method: clinical testing. Allele origin: germline.
Comment: The p.D1160H variant (also known as c.3478G>C), located in coding exon 25 of the LTBP3 gene, results from a G to C substitution at nucleotide position 3478. The aspartic acid at codon 1160 is replaced by histidine, an amino acid with similar properties. This amino acid position is conserved. In addition, the in silico prediction for this alteration is inconclusive. Since supporting evidence is limited at this time, the clinical significance of this alteration remains unclear.

NM_001130144.3(LTBP3):c.3478G>C (p.Asp1160His)

Gene: LTBP3 (latent transforming growth factor beta binding protein 3; minus strand). Cytogenetic location: 11q13.1.
Variant type: single nucleotide variant.
Coding change: c.3478G>C on transcript NM_001130144.3 (MANE Select); coding-DNA position 3478, G replaced by C.
Protein change: p.Asp1160His; replaces aspartic acid 1160 with histidine.
Molecular consequence: missense variant.
Genome position (GRCh38, 1-based): chr11:65,539,789, C>G on the plus strand (G>C on the coding strand, the complement: LTBP3 is on the minus strand). VCF-style: chr11-65539789-C-G. GRCh37 (hg19) VCF-style: chr11-65307260-C-G.
Other names: c.2986G>C, p.Asp996His (NM_001164266.1); c.3337G>C, p.Asp1113His (NM_021070.4); short protein forms D1113H, D1160H, D996H.
Identifiers: ClinVar variation 1731805 (VCV001731805.3), dbSNP rs762718826, ClinGen allele CA381266800.